The following is an entry in ClinVar:

NM_015046.7(SETX):c.6134G>A (p.Arg2045Gln)

Gene: SETX (senataxin; minus strand). Cytogenetic location: 9q34.13.
Variant type: single nucleotide variant.
Coding change: c.6134G>A on transcript NM_015046.7 (MANE Select); coding-DNA position 6134, G replaced by A.
Protein change: p.Arg2045Gln; replaces arginine 2045 with glutamine.
Molecular consequence: missense variant.
Genome position (GRCh38, 1-based): chr9:132,288,624, C>T on the plus strand (G>A on the coding strand, the complement: SETX is on the minus strand). VCF-style: chr9-132288624-C-T. GRCh37 (hg19) VCF-style: chr9-135164011-C-T.
Other names: c.6134G>A, p.Arg2045Gln (NM_001351527.2, NM_001351528.2); short protein forms R2045Q.
Identifiers: ClinVar variation 1751806 (VCV001751806.2), dbSNP rs147247576, ClinGen allele CA200812406.

ClinVar aggregate classification (germline): Uncertain significance (1 of 4 stars; one submission).

Conditions:
Inborn genetic diseases. Identifiers: MedGen C0950123, MeSH D030342.

Allele frequency attached by ClinVar (database versions not stated): gnomAD exomes below 0.00001; TOPMed below 0.00001; ESP Exome Variant Server 0.00008.
gnomAD v4.1: 2 of 1,613,562 alleles (0.00012%); highest among the groups gnomAD compares: South Asian, 0.0011%; no homozygotes.

Submission:

Ambry Genetics
Classification: Uncertain significance for Inborn genetic diseases. Last evaluated: 2021-09-21. Review status: criteria provided, single submitter. Criteria: Ambry Variant Classification Scheme 2023. Collection method: clinical testing. Allele origin: germline.
Comment: The p.R2045Q variant (also known as c.6134G>A), located in coding exon 14 of the SETX gene, results from a G to A substitution at nucleotide position 6134. The arginine at codon 2045 is replaced by glutamine, an amino acid with highly similar properties. This amino acid position is conserved. In addition, this alteration is predicted to be deleterious by in silico analysis. Since supporting evidence is limited at this time, the clinical significance of this alteration remains unclear.